The following is an entry in ClinVar:

ClinVar aggregate classification (germline): Uncertain significance. Review status: criteria provided, multiple submitters, no conflicts (2 of 4 stars). 2 submissions from 2 submitters: Uncertain significance (2). Last evaluated 2025-06-04.

Conditions:
Hereditary cancer-predisposing syndrome. Also called: Neoplastic Syndromes, Hereditary; Hereditary Cancer Syndrome; Hereditary neoplastic syndrome; Tumor predisposition. Identifiers: Orphanet 140162, MedGen C0027672, MeSH D009386, MONDO:0015356.
Familial cancer of breast. Also called: BREAST CANCER, FAMILIAL; Hereditary breast cancer; hereditary breast carcinoma. Identifiers: Orphanet 227535, MedGen C0346153, MONDO:0016419, OMIM 114480. Disease mechanism: loss of function.

Allele frequency attached by ClinVar (database versions not stated): gnomAD exomes 0.00001; TOPMed 0.00001; ExAC 0.00002.

Submissions (2):

Labcorp Genetics (formerly Invitae), Labcorp
Classification: Uncertain significance for Familial cancer of breast. Last evaluated: 2025-06-04. Review status: criteria provided, single submitter. Criteria: Invitae Variant Classification Sherloc (09022015). Collection method: clinical testing. Allele origin: germline.
Comment: This sequence change replaces phenylalanine, which is neutral and non-polar, with isoleucine, which is neutral and non-polar, at codon 107 of the PALB2 protein (p.Phe107Ile). This variant is present in population databases (rs752251774, gnomAD 0.01%). This variant has not been reported in the literature in individuals affected with PALB2-related conditions. ClinVar contains an entry for this variant (Variation ID: 460979). An algorithm developed to predict the effect of missense changes on protein structure and function (PolyPhen-2) suggests that this variant is likely to be disruptive. In summary, the available evidence is currently insufficient to determine the role of this variant in disease. Therefore, it has been classified as a Variant of Uncertain Significance.

Ambry Genetics
Classification: Uncertain significance for Hereditary cancer-predisposing syndrome. Last evaluated: 2025-02-16. Review status: criteria provided, single submitter. Criteria: Ambry Variant Classification Scheme 2023. Collection method: clinical testing. Allele origin: germline.
Comment: The p.F107I variant (also known as c.319T>A), located in coding exon 4 of the PALB2 gene, results from a T to A substitution at nucleotide position 319. The phenylalanine at codon 107 is replaced by isoleucine, an amino acid with highly similar properties. This amino acid position is conserved. In addition, this alteration is predicted to be tolerated by in silico analysis. Based on the available evidence, the clinical significance of this variant remains unclear.

NM_024675.4(PALB2):c.319T>A (p.Phe107Ile)

Gene: PALB2 (partner and localizer of BRCA2; minus strand). Cytogenetic location: 16p12.2.
Variant type: single nucleotide variant.
Coding change: c.319T>A on transcript NM_024675.4 (MANE Select); coding-DNA position 319, T replaced by A.
Protein change: p.Phe107Ile; replaces phenylalanine 107 with isoleucine.
Molecular consequence: missense variant.
Genome position (GRCh38, 1-based): chr16:23,636,227, A>T on the plus strand (T>A on the coding strand, the complement: PALB2 is on the minus strand). VCF-style: chr16-23636227-A-T. GRCh37 (hg19) VCF-style: chr16-23647548-A-T.
Other names: short protein forms F107I.
Identifiers: ClinVar variation 460979 (VCV000460979.12), dbSNP rs752251774, ClinGen allele CA7963800.